The following is an entry in ClinVar:

ClinVar aggregate classification (germline): Pathogenic (1 of 4 stars; one submission).

Submission:

GeneDx
Classification: Pathogenic. Last evaluated: 2018-08-28. Review status: criteria provided, single submitter. Criteria: GeneDx Variant Classification (06012015). Collection method: clinical testing. Allele origin: germline. Affected: yes.
Comment: Although the c.3804dupA pathogenic variant in the COL5A1 gene has not been reported to our knowledge, this variant causes a shift in reading frame starting at codon glutamine 1269, changing it to a threonine, and creating a premature stop codon at position 24 of the new reading frame, denoted p.Gln1269fsX24. This pathogenic variant is expected to result in either an abnormal, truncated protein product or loss of protein from this allele through nonsense-mediated mRNA decay. Other frameshift variants in the COL5A1 gene have been reported in Human Gene Mutation Database in association with cEDS (Stenson et al., 2014), indicating that loss of function is a mechanism of disease for this gene. Furthermore, the c.3804dupA variant has not been observed in large population cohorts (Lek et al., 2016). In summary, c.3804dupA in the COL5A1 gene is interpreted as a pathogenic variant.

NM_000093.5(COL5A1):c.3804dup (p.Gln1269fs)

Gene: COL5A1 (collagen type V alpha 1 chain; plus strand). Cytogenetic location: 9q34.3.
Variant type: Duplication.
Coding change: c.3804dup on transcript NM_000093.5 (MANE Select); coding-DNA position 3804, one base duplicated (A; older notation c.3804dupA).
Protein change: p.Gln1269fs; shifts the reading frame from glutamine 1269.
Molecular consequence: frameshift variant.
Genome position (GRCh38, 1-based): chr9:134,812,664, A duplicated. VCF-style (leftmost placement, unchanged base first): chr9-134812663-C-CA. GRCh37 (hg19) VCF-style: chr9-137704509-C-CA.
Other names: c.3804dup, p.Gln1269fs (NM_001278074.1); short protein forms Q1269fs.
Identifiers: ClinVar variation 817600 (VCV000817600.1), dbSNP rs1588578971, ClinGen allele CA915947278.